The following is an entry in ClinVar:

ClinVar aggregate classification (germline): Uncertain significance. Review status: reviewed by expert panel (3 of 4 stars). 7 submissions from 7 submitters: Uncertain significance (1). 6 of the submissions do not count toward it. Last evaluated 2019-05-10.

Conditions:
Pigmentary skin disorders.
RASopathy. Also called: Noonan spectrum disorder; rasopathies. Identifiers: Orphanet 536391, MedGen C5555857, MONDO:0021060.
Cardiofaciocutaneous syndrome 4 (CFC4). Also called: MAP2K2-Related Cardiofaciocutaneous Syndrome. Identifiers: Orphanet 1340, MedGen C3809007, MONDO:0014114, OMIM 615280.
Noonan syndrome with multiple lentigines. Identifiers: Orphanet 500, MedGen C0175704, MONDO:0007893.
Noonan syndrome and Noonan-related syndrome. Identifiers: Orphanet 98733, MedGen C5681679, MONDO:0020297.

Submissions (7):

ClinGen RASopathy Variant Curation Expert Panel
Classification: Uncertain significance for Noonan syndrome and Noonan-related syndrome. Last evaluated: 2019-05-10. Review status: reviewed by expert panel. Criteria: ClinGen RASopathy ACMG Specifications v1. Collection method: curation. Allele origin: germline. Inheritance: Autosomal dominant inheritance.
Comment: The c.692G>T (p.Arg231Leu) variant has been identified in at least 2 independent occurrences in patients with clinical features of RASopathies (PS4_Supporting GeneDx, Invitae internal data, GTR Lab IDs 26957, 500031; ClinVar SCV000207960.9, SCV000551455.2). This variant was absent from large population studies (PM2; gnomAD). The variant is located in the MAP2K2 gene, which has been defined by the ClinGen RASopathy Expert Panel as a gene with a low rate of benign missense variants and pathogenic missense variants are common (PP2; PMID: 29493581). Computational prediction tools and conservation analysis suggest that the p.Arg231Leu variant may impact the protein (PP3).In summary, the clinical significance of the p.Arg231Leu variant is uncertain. RASopathy-specific ACMG/AMP criteria applied (PMID:29493581): PS4_Supporting, PM2, PP2, PP3.

Genetics Laboratory, Great Ormond Street Hospital NHS Foundation Trust, North Thames Genomic Laboratory Hub
Classification: Uncertain significance for Pigmentary skin disorders. Last evaluated: 2026-06-17. Review status: criteria provided, single submitter. Criteria: ACGS Best Practice Guidelines for Variant Classification in Rare Disease 2024 v1.2. Collection method: clinical testing. Allele origin: germline. Affected: yes. Not counted in ClinVar's aggregate classification.
Comment: PS4_moderate, PM2_moderate, PP3_supporting

3billion
Classification: Uncertain significance for Cardiofaciocutaneous syndrome 4. Last evaluated: 2025-07-10. Review status: criteria provided, single submitter. Criteria: ACMG Guidelines, 2015. Collection method: clinical testing. Allele origin: germline. Affected: yes. Not counted in ClinVar's aggregate classification.
Comment: The variant is not observed in the gnomAD v4.1.0 dataset. Predicted Consequence/Location: Missense variant. Missense changes are a common disease-causing mechanism. In silico tool predictions suggest damaging effect of the variant on gene or gene product [REVEL: 0.84 (>=0.6, sensitivity 0.68 and specificity 0.92); 3Cnet: 0.74 (> 0.75, sensitivity 0.96 and precision 0.92)]. The same nucleotide change resulting in the same amino acid change has been previously reported to be associated with MAP2K2-related disorder (ClinVar ID: VCV000040818 /PMID: 30773290). However, the evidence of pathogenicity is insufficient at this time. Therefore, this variant is classified as VUS according to the recommendation of ACMG/AMP guideline.

Labcorp Genetics (formerly Invitae), Labcorp
Classification: Uncertain significance for RASopathy. Last evaluated: 2022-05-02. Review status: criteria provided, single submitter. Criteria: Invitae Variant Classification Sherloc (09022015). Collection method: clinical testing. Allele origin: germline. Not counted in ClinVar's aggregate classification.
Comment: Advanced modeling of protein sequence and biophysical properties (such as structural, functional, and spatial information, amino acid conservation, physicochemical variation, residue mobility, and thermodynamic stability) performed at Invitae indicates that this missense variant is expected to disrupt MAP2K2 protein function. This sequence change replaces arginine, which is basic and polar, with leucine, which is neutral and non-polar, at codon 231 of the MAP2K2 protein (p.Arg231Leu). This variant is not present in population databases (gnomAD no frequency). This missense change has been observed in individual(s) with clinical features of MAP2K2-related conditions (PMID: 30773290). ClinVar contains an entry for this variant (Variation ID: 40818). In summary, the available evidence is currently insufficient to determine the role of this variant in disease. Therefore, it has been classified as a Variant of Uncertain Significance.

GeneDx
Classification: Uncertain significance. Last evaluated: 2021-12-02. Review status: criteria provided, single submitter. Criteria: GeneDx Variant Classification Process June 2021. Collection method: clinical testing. Allele origin: germline. Affected: yes. Not counted in ClinVar's aggregate classification.
Comment: Not observed at significant frequency in large population cohorts (Lek 2016); Missense variants in this gene are often considered pathogenic (Stenson 2014); In silico analysis supports that this missense variant has a deleterious effect on protein structure/function; Identified in individuals with cystic kidney disease (Connaughton 2019); This variant is associated with the following publications: (PMID: 30773290)

Yale Center for Mendelian Genomics, Yale University
Classification: Likely pathogenic for Cardiofaciocutaneous syndrome 4. Last evaluated: 2019-02-14. Review status: no assertion criteria provided. Collection method: literature only. Allele origin: germline. Affected: yes. Observed: 2 compound heterozygotes. Study: Yale Center for Mendelian Genomics. Not counted in ClinVar's aggregate classification.

Service de Génétique Moléculaire, Hôpital Robert Debré
Classification: Uncertain significance for Noonan syndrome with multiple lentigines. Review status: no assertion criteria provided. Collection method: clinical testing. Allele origin: paternal. Affected: yes. Not counted in ClinVar's aggregate classification.

Literature cited by the submitters: PubMed 30773290 (cited by 3 submitters).

NM_030662.4(MAP2K2):c.692G>T (p.Arg231Leu)

Gene: MAP2K2 (mitogen-activated protein kinase kinase 2; minus strand). Cytogenetic location: 19p13.3.
Variant type: single nucleotide variant.
Coding change: c.692G>T on transcript NM_030662.4 (MANE Select); coding-DNA position 692, G replaced by T.
Protein change: p.Arg231Leu; replaces arginine 231 with leucine.
Molecular consequence: missense variant.
Genome position (GRCh38, 1-based): chr19:4,101,032, C>A on the plus strand (G>T on the coding strand, the complement: MAP2K2 is on the minus strand). VCF-style: chr19-4101032-C-A. GRCh37 (hg19) VCF-style: chr19-4101030-C-A.
Other names: p.R231L:CGC>CTC; NM_030662.3(MAP2K2):c.692G>T; short protein forms R231L.
Identifiers: ClinVar variation 40818 (VCV000040818.16), dbSNP rs730880511, ClinGen allele CA296133.